The following is an entry in ClinVar:

ClinVar aggregate classification (germline): Pathogenic/Likely pathogenic. Review status: criteria provided, multiple submitters, no conflicts (2 of 4 stars). 11 submissions from 11 submitters: Pathogenic (8); Likely pathogenic (1). 2 of the submissions do not count toward it. Last evaluated 2026-06-26.

Conditions:
Retinitis pigmentosa 74 (RP74). Identifiers: Orphanet 791, MedGen C4225281, MONDO:0014692, OMIM 616562.
Bardet-Biedl syndrome 2 (BBS2). Identifiers: Orphanet 110, MedGen C2936863, MONDO:0014432, OMIM 615981.
BBS2-related disorder. Also called: BBS2-related condition; BBS2-related disorders. Identifiers: MedGen CN239228.
Bardet-Biedl syndrome (BBS). Identifiers: Orphanet 110, MedGen C0752166, MONDO:0015229.

Allele frequency attached by ClinVar (database versions not stated): ExAC 0.00001; gnomAD 0.00001; TOPMed 0.00001; gnomAD exomes 0.00002.
gnomAD v4.1: 37 of 1,614,002 alleles (0.0023%); highest among the groups gnomAD compares: Non-Finnish European, 0.0029%; no homozygotes.

Submissions (11):

PreventionGenetics, part of Exact Sciences
Classification: Likely pathogenic for BBS2-related condition. Last evaluated: 2026-06-26. Review status: criteria provided, single submitter. Criteria: ACMG Guidelines, 2015. Collection method: clinical testing. Allele origin: germline.
Comment: The BBS2 c.175C>T variant is predicted to result in premature protein termination (p.Gln59*). This variant has been reported in individuals with features of Bardet-Biedl Syndrome (Katsanis et al. 2001. PubMed ID: 11567139; Supplementary Table S4, DecipherID: 259093, Fitzgerald et al. 2015. PubMed ID: 25533962). This variant is reported in 0.0035% of alleles in individuals of European (Non-Finnish) descent in gnomAD. Nonsense variants in BBS2 are expected to be pathogenic. This variant is interpreted as likely pathogenic.

Natera, Inc.
Classification: Pathogenic for Bardet-Biedl syndrome type 2. Last evaluated: 2025-11-13. Review status: criteria provided, single submitter. Criteria: Natera Variant Classification Schema (03/2026). Collection method: clinical testing. Allele origin: germline.
Comment: The c.175C>T variant in BBS2 is a nonsense variant predicted to introduce a stop codon at amino acid 59. This variant is expected to result in nonsense mediated decay, truncation, or a dysfunctional protein product. This variant is rare in the general population with a frequency below the threshold expected for the associated phenotype(s). This variant has been observed in one or more individuals affected with the associated recessive disease, as either homozygous or compound heterozygous with a second variant (PMID: 33169370, 27659767). Given the available evidence, this variant is classified as Pathogenic.

Labcorp Genetics (formerly Invitae), Labcorp
Classification: Pathogenic for Bardet-Biedl syndrome. Last evaluated: 2025-04-28. Review status: criteria provided, single submitter. Criteria: Invitae Variant Classification Sherloc (09022015). Collection method: clinical testing. Allele origin: germline.
Comment: This sequence change creates a premature translational stop signal (p.Gln59*) in the BBS2 gene. It is expected to result in an absent or disrupted protein product. Loss-of-function variants in BBS2 are known to be pathogenic (PMID: 11285252, 20177705, 24608809, 26518167). This variant is present in population databases (rs121908176, gnomAD 0.004%). This premature translational stop signal has been observed in individual(s) with Bardet-Biedl syndrome (PMID: 11567139, 27659767). ClinVar contains an entry for this variant (Variation ID: 4571). For these reasons, this variant has been classified as Pathogenic.

GeneDx
Classification: Pathogenic. Last evaluated: 2025-01-27. Review status: criteria provided, single submitter. Criteria: GeneDx Variant Classification Process June 2021. Collection method: clinical testing. Allele origin: germline.
Comment: Nonsense variant predicted to result in protein truncation or nonsense mediated decay in a gene for which loss of function is a known mechanism of disease; This variant is associated with the following publications: (PMID: 27659767, 28911095, 26147798, 11567139, 21962508, 21052717, 31964843, 21157496, 33169370, 25533962, Gouronc2023[Casereport])

Baylor Genetics
Classification: Pathogenic for Bardet-Biedl syndrome 2. Last evaluated: 2024-03-12. Review status: criteria provided, single submitter. Criteria: ACMG Guidelines, 2015. Collection method: clinical testing. Allele origin: unknown.

Laboratory of Medical Genetics (UMR_S 1112), INSERM/Strasbourg University
Classification: Pathogenic for Bardet-Biedl syndrome 2. Last evaluated: 2022-08-09. Review status: criteria provided, single submitter. Criteria: ACMG Guidelines, 2015. Collection method: clinical testing. Allele origin: inherited. Affected: yes. Observed: 1 variant allele, 1 homozygote.

Fulgent Genetics
Classification: Pathogenic for Bardet-Biedl syndrome 2; Retinitis pigmentosa 74. Last evaluated: 2022-05-09. Review status: criteria provided, single submitter. Criteria: ACMG Guidelines, 2015. Collection method: clinical testing. Allele origin: unknown.

Blueprint Genetics
Classification: Pathogenic for BBS2-related disorders. Last evaluated: 2021-09-10. Review status: criteria provided, single submitter. Criteria: ACMG Guidelines, 2015. Collection method: clinical testing. Allele origin: germline. Affected: yes. Observed: 3 variant alleles.

Women's Health and Genetics/Laboratory Corporation of America, LabCorp
Classification: Pathogenic for Bardet-Biedl syndrome. Last evaluated: 2019-01-31. Review status: criteria provided, single submitter. Criteria: LabCorp Variant Classification Summary - May 2015. Collection method: clinical testing. Allele origin: germline.
Comment: Variant summary: BBS2 c.175C>T (p.Gln59X) results in a premature termination codon, predicted to cause a truncation of the encoded protein or absence of the protein due to nonsense mediated decay, which are commonly known mechanisms for disease. Truncations downstream of this position have been classified as pathogenic by our laboratory (eg. c.814C>T (p.Arg272X), c.823C>T (p.Arg275X), and c.1864C>T (p.Arg622X)). The variant allele was found at a frequency of 2.4e-05 in 246604 control chromosomes (gnomAD and publications). c.175C>T has been reported in the literature in individuals affected with features of Bardet-Biedl Syndrome (Katsanis_2001, Fitzgerald_2015). Katsanis_2001 proposed that this syndrome may not be a single-gene recessive disease but a complex trait requiring three mutant alleles to manifest the phenotype because an affected patient from one family carried triallelic variants BBS2 Q59X and Y24X in compound heterozygosity and BBS6 Q147X, while a sibling with the same biallelic variants in BBS2 without the BBS6 variant and father with BBS2 Q59X and BBS6 Q147X were healthy. Another publication, Abu-Safieh_2012, using a cohort of 29 BBS families was not able to support this triallelic model, arguing in favor of straightforward autosomal recessive BBS in most cases. To our knowledge, no experimental evidence demonstrating an impact on protein function has been reported. A ClinVar submission from a clinical diagnostic laboratory (evaluation after 2014) cites the variant as pathogenic. Based on the evidence outlined above, the variant was classified as pathogenic.

Counsyl
Classification: Pathogenic for Bardet-Biedl syndrome 2. Last evaluated: 2017-08-25. Review status: no assertion criteria provided. Collection method: clinical testing. Allele origin: unknown. Not counted in ClinVar's aggregate classification.

OMIM
Classification: Pathogenic for BARDET-BIEDL SYNDROME 2. Last evaluated: 2001-09-21. Review status: no assertion criteria provided. Collection method: literature only. Allele origin: germline. Not counted in ClinVar's aggregate classification.

Literature cited by the submitters: PubMed 33169370 (cited by Natera, Inc.); PubMed 27659767 (cited by 3 submitters); PubMed 11285252 (cited by Labcorp Genetics (formerly Invitae), Labcorp); PubMed 20177705 (cited by Labcorp Genetics (formerly Invitae), Labcorp); PubMed 24608809 (cited by Labcorp Genetics (formerly Invitae), Labcorp); PubMed 26518167 (cited by Labcorp Genetics (formerly Invitae), Labcorp); PubMed 11567139 (cited by 4 submitters); DOI doi:10.1155/2023/2564200 (cited by Laboratory of Medical Genetics (UMR_S 1112), INSERM/Strasbourg University); PubMed 21052717 (cited by Women's Health and Genetics/Laboratory Corporation of America, LabCorp); PubMed 16909204 (cited by Women's Health and Genetics/Laboratory Corporation of America, LabCorp); PubMed 21157496 (cited by Women's Health and Genetics/Laboratory Corporation of America, LabCorp); PubMed 25533962 (cited by Women's Health and Genetics/Laboratory Corporation of America, LabCorp).

NM_031885.5(BBS2):c.175C>T (p.Gln59Ter)

Gene: BBS2 (Bardet-Biedl syndrome 2; minus strand). Cytogenetic location: 16q13.
Variant type: single nucleotide variant.
Coding change: c.175C>T on transcript NM_031885.5 (MANE Select); coding-DNA position 175, C replaced by T.
Protein change: p.Gln59Ter; replaces glutamine 59 with a stop codon.
Molecular consequence: nonsense. On other transcripts: non-coding transcript variant (5).
Genome position (GRCh38, 1-based): chr16:56,514,623, G>A on the plus strand (C>T on the coding strand, the complement: BBS2 is on the minus strand). VCF-style: chr16-56514623-G-A. GRCh37 (hg19) VCF-style: chr16-56548535-G-A.
Other names: c.175C>T, p.Gln59Ter (NM_001377456.1); short protein forms Q59*.
Identifiers: ClinVar variation 4571 (VCV000004571.49), dbSNP rs121908176, ClinGen allele CA253235.